The following is an entry in ClinVar:

NM_153240.5(NPHP3):c.2109C>G (p.His703Gln)

Genes: NPHP3 (nephrocystin 3; minus strand), NPHP3-ACAD11 (NPHP3-ACAD11 readthrough (NMD candidate); minus strand). Cytogenetic location: 3q22.1.
Variant type: single nucleotide variant.
Coding change: c.2109C>G on transcript NM_153240.5 (MANE Select); coding-DNA position 2109, C replaced by G.
Protein change: p.His703Gln; replaces histidine 703 with glutamine.
Molecular consequence: missense variant. On other transcripts: non-coding transcript variant (1).
Genome position (GRCh38, 1-based): chr3:132,696,793, G>C on the plus strand (C>G on the coding strand, the complement: NPHP3 is on the minus strand). VCF-style: chr3-132696793-G-C. GRCh37 (hg19) VCF-style: chr3-132415637-G-C.
Other names: short protein forms H703Q.
Identifiers: ClinVar variation 1054954 (VCV001054954.10), dbSNP rs765177103, ClinGen allele CA2622112.

ClinVar aggregate classification (germline): Uncertain significance. Review status: criteria provided, multiple submitters, no conflicts (2 of 4 stars). 2 submissions from 2 submitters: Uncertain significance (2). Last evaluated 2022-06-14.

Conditions:
Nephronophthisis. Also called: Juvenile Nephronophthisis. Identifiers: Orphanet 655, MedGen C0687120, MONDO:0019005, HP:0000090.
Nephronophthisis 3 (NPHP3). Also called: Adolescent nephronophthisis. Identifiers: Orphanet 655, MedGen C1858392, MONDO:0011456, OMIM 604387.
NPHP3-related Meckel-like syndrome. Also called: GOLDSTON SYNDROME; Meckel syndrome type 7. Identifiers: Orphanet 3032, MedGen C2673885, MONDO:0009966, OMIM 267010.
Renal-hepatic-pancreatic dysplasia 1 (RHPD1). Identifiers: MedGen C3715199, MONDO:0008833, OMIM 208540.

Allele frequency attached by ClinVar (database versions not stated): ExAC 0.00002; gnomAD exomes 0.00002.
gnomAD v4.1: 6 of 1,613,750 alleles (0.00037%); highest among the groups gnomAD compares: South Asian, 0.0055%; no homozygotes.

Submissions (2):

Labcorp Genetics (formerly Invitae), Labcorp
Classification: Uncertain significance for Nephronophthisis. Last evaluated: 2022-06-14. Review status: criteria provided, single submitter. Criteria: Invitae Variant Classification Sherloc (09022015). Collection method: clinical testing. Allele origin: germline.
Comment: In summary, the available evidence is currently insufficient to determine the role of this variant in disease. Therefore, it has been classified as a Variant of Uncertain Significance. Algorithms developed to predict the effect of missense changes on protein structure and function are either unavailable or do not agree on the potential impact of this missense change (SIFT: "Deleterious"; PolyPhen-2: "Possibly Damaging"; Align-GVGD: "Class C0"). ClinVar contains an entry for this variant (Variation ID: 1054954). This variant has not been reported in the literature in individuals affected with NPHP3-related conditions. This variant is present in population databases (rs765177103, gnomAD 0.01%). This sequence change replaces histidine, which is basic and polar, with glutamine, which is neutral and polar, at codon 703 of the NPHP3 protein (p.His703Gln).

Fulgent Genetics
Classification: Uncertain significance for Renal-hepatic-pancreatic dysplasia 1; NPHP3-related Meckel-like syndrome; Nephronophthisis 3. Last evaluated: 2021-09-21. Review status: criteria provided, single submitter. Criteria: ACMG Guidelines, 2015. Collection method: clinical testing. Allele origin: unknown.